The following is an entry in ClinVar:

NM_213599.3(ANO5):c.773_774delinsAA (p.Trp258Ter)

Gene: ANO5 (anoctamin 5; plus strand). Cytogenetic location: 11p14.3.
Variant type: Indel.
Coding change: c.773_774delinsAA on transcript NM_213599.3 (MANE Select); coding-DNA positions 773 to 774, GG replaced by AA.
Protein change: p.Trp258Ter; replaces tryptophan 258 with a stop codon.
Molecular consequence: nonsense.
Genome position (GRCh38, 1-based): chr11:22,239,579-22,239,580, GG replaced by AA. VCF-style: chr11-22239579-GG-AA. GRCh37 (hg19) VCF-style: chr11-22261125-GG-AA.
Other names: c.770_771delinsAA, p.Trp257Ter (NM_001142649.2); short protein forms W258*, W257*.
Identifiers: ClinVar variation 1374139 (VCV001374139.6), dbSNP rs2133663216, ClinGen allele CA2573146258.

ClinVar aggregate classification (germline): Pathogenic (1 of 4 stars; one submission).

Conditions:
Autosomal recessive limb-girdle muscular dystrophy type 2L (LGMDR12). Also called: Limb-girdle muscular dystrophy, type 2L; MUSCULAR DYSTROPHY, LIMB-GIRDLE, AUTOSOMAL RECESSIVE 12; Limb-Girdle Muscular Dystrophy R12 Anoctamin-5-Related (LGMD-R12). Identifiers: Orphanet 206549, MedGen C1969785, MONDO:0012652, OMIM 611307.
Gnathodiaphyseal dysplasia (GDD). Also called: GNATHODIAPHYSEAL SCLEROSIS; OSTEOGENESIS IMPERFECTA WITH UNUSUAL SKELETAL LESIONS. Identifiers: Orphanet 53697, MedGen C1833736, MONDO:0008151, OMIM 166260.

Submission:

Labcorp Genetics (formerly Invitae), Labcorp
Classification: Pathogenic for Autosomal recessive limb-girdle muscular dystrophy type 2L; Gnathodiaphyseal dysplasia. Last evaluated: 2022-06-23. Review status: criteria provided, single submitter. Criteria: Invitae Variant Classification Sherloc (09022015). Collection method: clinical testing. Allele origin: germline.
Comment: This sequence change creates a premature translational stop signal (p.Trp258*) in the ANO5 gene. It is expected to result in an absent or disrupted protein product. Loss-of-function variants in ANO5 are known to be pathogenic (PMID: 21186264, 23606453, 25891276, 30919934). Information on the frequency of this variant in the gnomAD database is not available, as this variant may be reported differently in the database. This variant has not been reported in the literature in individuals affected with ANO5-related conditions. For these reasons, this variant has been classified as Pathogenic.

Literature cited by the submitters: PubMed 21186264; PubMed 23606453; PubMed 25891276; PubMed 30919934.